The following is an entry in ClinVar:

ClinVar aggregate classification (germline): Conflicting classifications of pathogenicity. Review status: criteria provided, conflicting classifications (1 of 4 stars). 7 submissions from 7 submitters: Uncertain significance (1); Likely benign (6). Last evaluated 2026-01-16.

Conditions:
Osteogenesis imperfecta (OI). Identifiers: Orphanet 666, MedGen C0029434, MeSH D010013, MONDO:0019019.
Severe early-childhood-onset retinal dystrophy (STGD1). Also called: STGD; MACULAR DYSTROPHY WITH FLECKS, TYPE 1; Stargardt macular dystrophy; Juvenile onset macular degeneration; Stargardt disease 1. Identifiers: Orphanet 364055, Orphanet 827, MedGen C1855465, MeSH D000080362, MONDO:0009549, OMIM 248200.

Allele frequency attached by ClinVar (database versions not stated): TOPMed 0.00026; gnomAD exomes 0.00033 and 0.00044; ESP Exome Variant Server 0.00038; ExAC 0.00042; gnomAD 0.00044 and 0.00046.
gnomAD v4.1: 546 of 1,613,852 alleles (0.034%); highest among the groups gnomAD compares: South Asian, 0.067%; 2 homozygotes.

Submissions (7):

Labcorp Genetics (formerly Invitae), Labcorp
Classification: Likely benign. Last evaluated: 2026-01-16. Review status: criteria provided, single submitter. Criteria: Invitae Variant Classification Sherloc (09022015). Collection method: clinical testing. Allele origin: germline.

CeGaT Center for Human Genetics Tuebingen
Classification: Likely benign. Last evaluated: 2025-07-01. Review status: criteria provided, single submitter. Criteria: CeGaT Center For Human Genetics Tuebingen Variant Classification Criteria Version 2. Collection method: clinical testing. Allele origin: germline. Affected: yes. Observed: 3 variant alleles.
Comment: LRP5: BP4, BP7

Blueprint Genetics
Classification: Likely benign. Last evaluated: 2024-11-13. Review status: criteria provided, single submitter. Criteria: ACMG Guidelines, 2015. Collection method: clinical testing. Allele origin: germline.

GeneDx
Classification: Uncertain significance. Last evaluated: 2022-07-18. Review status: criteria provided, single submitter. Criteria: GeneDx Variant Classification Process June 2021. Collection method: clinical testing. Allele origin: germline. Affected: yes.
Comment: Has not been previously published as pathogenic or benign to our knowledge; In silico analysis suggests this variant may impact gene splicing. In the absence of RNA/functional studies, the actual effect of this sequence change is unknown.

Genome Diagnostics Laboratory, The Hospital for Sick Children
Classification: Likely benign for Osteogenesis imperfecta. Last evaluated: 2022-07-18. Review status: criteria provided, single submitter. Criteria: ACMG Guidelines, 2015. Collection method: clinical testing. Allele origin: germline.

Cambridge Genomics Laboratory, East Genomic Laboratory Hub, NHS Genomic Medicine Service
Classification: Likely benign for Severe early-childhood-onset retinal dystrophy. Last evaluated: 2020-06-18. Review status: criteria provided, single submitter. Criteria: ACGS Best Practice Guidelines for Variant Classification in Rare Disease 2020. Collection method: clinical testing. Allele origin: germline. Affected: yes. Observed: 1 variant allele.

Breakthrough Genomics
Classification: Likely benign. Review status: criteria provided, single submitter. Criteria: ACMG Guidelines, 2015. Collection method: not provided. Allele origin: germline. Inheritance: Autosomal recessive inheritance. Affected: yes.

NM_002335.4(LRP5):c.2829G>A (p.Pro943=)

Gene: LRP5 (LDL receptor related protein 5; plus strand). Cytogenetic location: 11q13.2.
Variant type: single nucleotide variant.
Coding change: c.2829G>A on transcript NM_002335.4 (MANE Select); coding-DNA position 2829, G replaced by A.
Protein change: p.Pro943=; no amino-acid change (proline 943 retained).
Molecular consequence: synonymous variant.
Genome position (GRCh38, 1-based): chr11:68,416,329, G>A. VCF-style: chr11-68416329-G-A. GRCh37 (hg19) VCF-style: chr11-68183797-G-A.
Other names: c.2829G>A (NM_002335.2); c.1086G>A, p.Pro362= (NM_001291902.2).
Identifiers: ClinVar variation 1106293 (VCV001106293.48), dbSNP rs201018263, ClinGen allele CA6149775.
Genomic context (GRCh38, chr11:68,416,329, plus strand): 5'-CTCCAGCTCCTCTGTGGCTTACAGACACCCACCTGCAGCCCTGTCTTTGCCTCCTCTAGC[G>A]CCCACCACCTTCTTGCTGTTCAGCCAGAAATCTGCCATCAGTCGGATGATCCCGGACGAC-3'
Protein context (NP_002326.2, residues 933-953): TLDPSSRNCS[Pro943=]PTTFLLFSQK